The following is an entry in ClinVar:

ClinVar aggregate classification (germline): Uncertain significance (1 of 4 stars; one submission).

Conditions:
Familial focal epilepsy with variable foci (FPEVF). Identifiers: Orphanet 98820, MedGen C1858477, MONDO:0020310.

Submission:

Labcorp Genetics (formerly Invitae), Labcorp
Classification: Uncertain significance for Familial focal epilepsy with variable foci. Last evaluated: 2023-03-21. Review status: criteria provided, single submitter. Criteria: Invitae Variant Classification Sherloc (09022015). Collection method: clinical testing. Allele origin: germline.
Comment: This sequence change replaces glycine, which is neutral and non-polar, with glutamic acid, which is acidic and polar, at codon 741 of the DEPDC5 protein (p.Gly741Glu). This variant is not present in population databases (gnomAD no frequency). This variant has not been reported in the literature in individuals affected with DEPDC5-related conditions. Experimental studies and prediction algorithms are not available or were not evaluated, and the functional significance of this variant is currently unknown. In summary, the available evidence is currently insufficient to determine the role of this variant in disease. Therefore, it has been classified as a Variant of Uncertain Significance.

NM_001242896.3(DEPDC5):c.2222G>A (p.Gly741Glu)

Gene: DEPDC5 (DEP domain containing 5, GATOR1 subcomplex subunit; plus strand). Cytogenetic location: 22q12.3.
Variant type: single nucleotide variant.
Coding change: c.2222G>A on transcript NM_001242896.3 (MANE Select); coding-DNA position 2222, G replaced by A.
Protein change: p.Gly741Glu; replaces glycine 741 with glutamic acid.
Molecular consequence: missense variant. On other transcripts: non-coding transcript variant (4).
Genome position (GRCh38, 1-based): chr22:31,837,023, G>A. VCF-style: chr22-31837023-G-A. GRCh37 (hg19) VCF-style: chr22-32233009-G-A.
Other names: c.2195G>A, p.Gly732Glu (NM_001136029.4, NM_001369903.1, NM_014662.6); c.1988G>A, p.Gly663Glu (NM_001242897.2, NM_001363854.2, NM_001364319.2); c.2222G>A, p.Gly741Glu (NM_001363852.2, NM_001364318.2, NM_001364320.2); c.2138G>A, p.Gly713Glu (NM_001369901.1, NM_001369902.1); short protein forms G713E, G732E, G741E, G663E.
Identifiers: ClinVar variation 2848357 (VCV002848357.3), dbSNP rs2519877836, ClinGen allele CA411285236.